The following is an entry in ClinVar:

ClinVar aggregate classification (germline): Uncertain significance (1 of 4 stars; one submission).

gnomAD v4.1: 2 of 1,613,390 alleles (0.00012%); highest among the groups gnomAD compares: Admixed American, 0.0033%; 1 homozygote.

Submission:

GeneDx
Classification: Uncertain significance. Last evaluated: 2024-10-31. Review status: criteria provided, single submitter. Criteria: GeneDx Variant Classification Process June 2021. Collection method: clinical testing. Allele origin: germline. Affected: yes.
Comment: Not observed at significant frequency in large population cohorts (gnomAD); In silico analysis indicates that this missense variant does not alter protein structure/function; Has not been previously published as pathogenic or benign to our knowledge

NM_015057.5(MYCBP2):c.12513C>G (p.Ile4171Met)

Gene: MYCBP2 (MYC binding protein 2; minus strand). Cytogenetic location: 13q22.3.
Variant type: single nucleotide variant.
Coding change: c.12513C>G on transcript NM_015057.5 (MANE Select); coding-DNA position 12513, C replaced by G.
Protein change: p.Ile4171Met; replaces isoleucine 4171 with methionine.
Molecular consequence: missense variant.
Genome position (GRCh38, 1-based): chr13:77,066,031, G>C on the plus strand (C>G on the coding strand, the complement: MYCBP2 is on the minus strand). VCF-style: chr13-77066031-G-C. GRCh37 (hg19) VCF-style: chr13-77640166-G-C.
Other names: short protein forms I4171M.
Identifiers: ClinVar variation 3897074 (VCV003897074.1).